The following is an entry in ClinVar:

ClinVar aggregate classification (germline): Uncertain significance. Review status: criteria provided, multiple submitters, no conflicts (2 of 4 stars). 2 submissions from 2 submitters: Uncertain significance (2). Last evaluated 2025-11-08.

Conditions:
Inborn genetic diseases. Identifiers: MedGen C0950123, MeSH D030342.
Norman-Roberts syndrome (LIS2). Also called: Lissencephaly 2 (Norman-Roberts type). Identifiers: Orphanet 89844, MedGen C0796089, MONDO:0009760, OMIM 257320.
Familial temporal lobe epilepsy 7. Identifiers: Orphanet 101046, MedGen C4225327, MONDO:0014639, OMIM 616436.

Allele frequency attached by ClinVar (database versions not stated): gnomAD exomes below 0.00001; TOPMed below 0.00001; gnomAD 0.00001.

Submissions (2):

Labcorp Genetics (formerly Invitae), Labcorp
Classification: Uncertain significance for Familial temporal lobe epilepsy 7; Norman-Roberts syndrome. Last evaluated: 2025-11-08. Review status: criteria provided, single submitter. Criteria: Invitae Variant Classification Sherloc (09022015). Collection method: clinical testing. Allele origin: germline.
Comment: This sequence change replaces arginine, which is basic and polar, with cysteine, which is neutral and slightly polar, at codon 2590 of the RELN protein (p.Arg2590Cys). This variant is present in population databases (no rsID available, gnomAD 0.0009%). This variant has not been reported in the literature in individuals affected with RELN-related conditions. ClinVar contains an entry for this variant (Variation ID: 1446441). Invitae Evidence Modeling of protein sequence and biophysical properties (such as structural, functional, and spatial information, amino acid conservation, physicochemical variation, residue mobility, and thermodynamic stability) indicates that this missense variant is not expected to disrupt RELN protein function with a negative predictive value of 80%. In summary, the available evidence is currently insufficient to determine the role of this variant in disease. Therefore, it has been classified as a Variant of Uncertain Significance.

Ambry Genetics
Classification: Uncertain significance for Inborn genetic diseases. Last evaluated: 2024-08-19. Review status: criteria provided, single submitter. Criteria: Ambry Variant Classification Scheme 2023. Collection method: clinical testing. Allele origin: germline.

NM_005045.4(RELN):c.7768C>T (p.Arg2590Cys)

Gene: RELN (reelin; minus strand). Cytogenetic location: 7q22.1.
Variant type: single nucleotide variant.
Coding change: c.7768C>T on transcript NM_005045.4 (MANE Select); coding-DNA position 7768, C replaced by T.
Protein change: p.Arg2590Cys; replaces arginine 2590 with cysteine.
Molecular consequence: missense variant.
Genome position (GRCh38, 1-based): chr7:103,519,417, G>A on the plus strand (C>T on the coding strand, the complement: RELN is on the minus strand). VCF-style: chr7-103519417-G-A. GRCh37 (hg19) VCF-style: chr7-103159864-G-A.
Other names: c.7768C>T, p.Arg2590Cys (NM_173054.3); c.7768C>T (NM_005045.3); short protein forms R2590C.
Identifiers: ClinVar variation 1446441 (VCV001446441.7), dbSNP rs1313455580, ClinGen allele CA368765053.